The following is an entry in ClinVar:

ClinVar aggregate classification (germline): Uncertain significance. Review status: criteria provided, multiple submitters, no conflicts (2 of 4 stars). 2 submissions from 2 submitters: Uncertain significance (2). Last evaluated 2025-02-01.

Conditions:
Inborn genetic diseases. Identifiers: MedGen C0950123, MeSH D030342.

Allele frequency attached by ClinVar (database versions not stated): ExAC 0.00003; gnomAD 0.00004 and 0.00005; gnomAD exomes 0.00005 and 0.00006; TOPMed 0.00005; 1000 Genomes Project 30x 0.00016; 1000 Genomes Project 0.00020.
gnomAD v4.1: 96 of 1,591,502 alleles (0.006%); highest among the groups gnomAD compares: South Asian, 0.016%; no homozygotes.

Submissions (2):

Ambry Genetics
Classification: Uncertain significance for Inborn genetic diseases. Last evaluated: 2025-02-01. Review status: criteria provided, single submitter. Criteria: Ambry Variant Classification Scheme 2023. Collection method: clinical testing. Allele origin: germline.

Labcorp Genetics (formerly Invitae), Labcorp
Classification: Uncertain significance. Last evaluated: 2024-01-31. Review status: criteria provided, single submitter. Criteria: Invitae Variant Classification Sherloc (09022015). Collection method: clinical testing. Allele origin: germline.
Comment: This sequence change replaces alanine, which is neutral and non-polar, with threonine, which is neutral and polar, at codon 215 of the TONSL protein (p.Ala215Thr). This variant is present in population databases (rs529698271, gnomAD 0.01%). This variant has not been reported in the literature in individuals affected with TONSL-related conditions. ClinVar contains an entry for this variant (Variation ID: 1404092). Advanced modeling of protein sequence and biophysical properties (such as structural, functional, and spatial information, amino acid conservation, physicochemical variation, residue mobility, and thermodynamic stability) performed at Invitae indicates that this missense variant is not expected to disrupt TONSL protein function with a negative predictive value of 80%. In summary, the available evidence is currently insufficient to determine the role of this variant in disease. Therefore, it has been classified as a Variant of Uncertain Significance.

NM_013432.5(TONSL):c.643G>A (p.Ala215Thr)

Gene: TONSL (tonsoku like, DNA repair protein; minus strand). Cytogenetic location: 8q24.3.
Variant type: single nucleotide variant.
Coding change: c.643G>A on transcript NM_013432.5 (MANE Select); coding-DNA position 643, G replaced by A.
Protein change: p.Ala215Thr; replaces alanine 215 with threonine.
Molecular consequence: missense variant.
Genome position (GRCh38, 1-based): chr8:144,442,348, C>T on the plus strand (G>A on the coding strand, the complement: TONSL is on the minus strand). VCF-style: chr8-144442348-C-T. GRCh37 (hg19) VCF-style: chr8-145667731-C-T.
Other names: c.643G>A (NM_013432.4); short protein forms A215T.
Identifiers: ClinVar variation 1404092 (VCV001404092.6), dbSNP rs529698271, ClinGen allele CA4943565.